The following is an entry in ClinVar:

NM_006265.3(RAD21):c.937+6C>T

Gene: RAD21 (RAD21 cohesin complex component; minus strand). Cytogenetic location: 8q24.11.
Variant type: single nucleotide variant.
Coding change: c.937+6C>T on transcript NM_006265.3 (MANE Select); 6 bases into the intron after coding-DNA position 937, C replaced by T.
Molecular consequence: intron variant.
Genome position (GRCh38, 1-based): chr8:116,856,160, G>A on the plus strand (C>T on the coding strand, the complement: RAD21 is on the minus strand). VCF-style: chr8-116856160-G-A. GRCh37 (hg19) VCF-style: chr8-117868399-G-A.
Identifiers: ClinVar variation 3691349 (VCV003691349.2).
Genomic context (GRCh38, chr8:116,856,160, plus strand): 5'-CAGGCAAAAACCAGAAATAGGACCTTATGTTGTATGCTGTATAAATCTAAAGGTTCATAT[G>A]CTTACCAGTTATATCAATAGGCTCCAATGCAAATGCTTCTTCCTCATTTGGAACAAGTGT-3'

ClinVar aggregate classification (germline): Uncertain significance (1 of 4 stars; one submission).

Conditions:
Cornelia de Lange syndrome 4 (CDLS4). Also called: RAD21-Related Cornelia de Lange Syndrome; CORNELIA DE LANGE SYNDROME 4 WITH OR WITHOUT MIDLINE BRAIN DEFECTS. Identifiers: Orphanet 199, MedGen C3553517, MONDO:0013864, OMIM 614701.

gnomAD v4.1: 2 of 1,607,924 alleles (0.00012%); highest among the groups gnomAD compares: South Asian, 0.0022%; no homozygotes.

Submission:

Labcorp Genetics (formerly Invitae), Labcorp
Classification: Uncertain significance for Cornelia de Lange syndrome 4. Last evaluated: 2024-06-04. Review status: criteria provided, single submitter. Criteria: Invitae Variant Classification Sherloc (09022015). Collection method: clinical testing. Allele origin: germline.
Comment: This sequence change falls in intron 8 of the RAD21 gene. It does not directly change the encoded amino acid sequence of the RAD21 protein. It affects a nucleotide within the consensus splice site. This variant is not present in population databases (gnomAD no frequency). This variant has not been reported in the literature in individuals affected with RAD21-related conditions. Variants that disrupt the consensus splice site are a relatively common cause of aberrant splicing (PMID: 17576681, 9536098). Algorithms developed to predict the effect of sequence changes on RNA splicing suggest that this variant is not likely to affect RNA splicing. In summary, the available evidence is currently insufficient to determine the role of this variant in disease. Therefore, it has been classified as a Variant of Uncertain Significance.

Literature cited by the submitters: PubMed 17576681; PubMed 9536098.